The following is an entry in ClinVar:

NM_001267550.2(TTN):c.84780A>C (p.Glu28260Asp)

Genes: TTN (titin; minus strand), TTN-AS1 (TTN antisense RNA 1; plus strand). Cytogenetic location: 2q31.2.
Variant type: single nucleotide variant.
Coding change: c.84780A>C on transcript NM_001267550.2 (MANE Select); coding-DNA position 84780, A replaced by C.
Protein change: p.Glu28260Asp; replaces glutamic acid 28260 with aspartic acid.
Molecular consequence: missense variant.
Genome position (GRCh38, 1-based): chr2:178,561,352, T>G on the plus strand (A>C on the coding strand, the complement: TTN is on the minus strand). VCF-style: chr2-178561352-T-G. GRCh37 (hg19) VCF-style: chr2-179426079-T-G.
Other names: c.79857A>C, p.Glu26619Asp (NM_001256850.1); c.57585A>C, p.Glu19195Asp (NM_003319.4); c.77076A>C, p.Glu25692Asp (NM_133378.4); c.57960A>C, p.Glu19320Asp (NM_133432.3); c.58161A>C, p.Glu19387Asp (NM_133437.4); short protein forms E19195D, E19320D, E19387D, E25692D, E26619D, E28260D.
Identifiers: ClinVar variation 3059294 (VCV003059294.4), dbSNP rs370547473, ClinGen allele CA1988738.
Genomic context (GRCh38, chr2:178,561,352, plus strand): 5'-ACCATCATAATGTGGTTTAGACCATTTAAGTGACACTGATTTTCTTGTGATATTTGTGAC[T>G]TCAGGTTGTCCAGGAGGGTCACAAGGATCTCTTGCAGGGACTGGTTCACAAGATTTACTG-3'
Protein context (NP_001254479.2, residues 28250-28270): RDPCDPPGQP[Glu28260Asp]VTNITRKSVS

ClinVar aggregate classification (germline): Uncertain significance. Review status: criteria provided, multiple submitters, no conflicts (2 of 4 stars). 3 submissions from 3 submitters: Uncertain significance (2). 1 of the submissions does not count toward it. Last evaluated 2024-11-04.

Conditions:
TTN-related disorder. Also called: TTN-related condition; TTN-related disease; TTN-related disorders.

Allele frequency attached by ClinVar (database versions not stated): ExAC 0.00002; ESP Exome Variant Server 0.00008; gnomAD 0.00009; TOPMed 0.00017.
gnomAD v4.1: 29 of 1,613,736 alleles (0.0018%); highest among the groups gnomAD compares: Admixed American, 0.037%; no homozygotes.

Submissions (3):

Women's Health and Genetics/Laboratory Corporation of America, LabCorp
Classification: Uncertain significance. Last evaluated: 2024-11-04. Review status: criteria provided, single submitter. Criteria: LabCorp Variant Classification Summary - May 2015. Collection method: clinical testing. Allele origin: germline.
Comment: Variant summary: TTN c.77076A>C (p.Glu25692Asp) results in a conservative amino acid change located in the A-band region of the encoded protein sequence. Three of five in-silico tools predict a benign effect of the variant on protein function. The variant allele was found at a frequency of 4e-05 in 248534 control chromosomes (gnomAD). This frequency is not significantly higher than estimated for a pathogenic variant in TTN causing Dilated Cardiomyopathy (4e-05 vs 0.00039), allowing no conclusion about variant significance. c.77076A>C has been reported in the literature in an individual affected with sudden cardiac death (Campuzano_2014). This report does not provide unequivocal conclusions about association of the variant with Dilated Cardiomyopathy. To our knowledge, no experimental evidence demonstrating an impact on protein function has been reported. ClinVar contains an entry for this variant (Variation ID: 3059294). Based on the evidence outlined above, the variant was classified as uncertain significance.

Revvity Omics, Revvity
Classification: Uncertain significance. Last evaluated: 2024-04-22. Review status: criteria provided, single submitter. Criteria: ACMG Guidelines, 2015. Collection method: clinical testing. Allele origin: germline.

PreventionGenetics, part of Exact Sciences
Classification: Uncertain significance for TTN-related condition. Last evaluated: 2023-12-26. Review status: no assertion criteria provided. Collection method: clinical testing. Allele origin: germline. Not counted in ClinVar's aggregate classification.
Comment: The TTN c.84780A>C variant is predicted to result in the amino acid substitution p.Glu28260Asp. This variant was reported in a patient with unexplained sudden cardiac death (described as p.E25693D, Campuzano et al. 2014. PubMed ID: 25447171). This variant is reported in 0.023% of alleles in individuals of Latino descent in gnomAD. At this time, the clinical significance of this variant is uncertain due to the absence of conclusive functional and genetic evidence.

Literature cited by the submitters: PubMed 25447171 (cited by Women's Health and Genetics/Laboratory Corporation of America, LabCorp).